The following is an entry in ClinVar:

ClinVar aggregate classification (germline): Uncertain significance. Review status: criteria provided, multiple submitters, no conflicts (2 of 4 stars). 2 submissions from 2 submitters: Uncertain significance (2). Last evaluated 2024-05-02.

Conditions:
Inborn genetic diseases. Identifiers: MedGen C0950123, MeSH D030342.

Allele frequency attached by ClinVar (database versions not stated): ExAC 0.00001; gnomAD 0.00001; TOPMed 0.00001; gnomAD exomes 0.00003; 1000 Genomes Project 30x 0.00016; 1000 Genomes Project 0.00020.

Submissions (2):

Ambry Genetics
Classification: Uncertain significance for Inborn genetic diseases. Last evaluated: 2024-05-02. Review status: criteria provided, single submitter. Criteria: Ambry Variant Classification Scheme 2023. Collection method: clinical testing. Allele origin: germline.

Labcorp Genetics (formerly Invitae), Labcorp
Classification: Uncertain significance. Last evaluated: 2022-08-07. Review status: criteria provided, single submitter. Criteria: Invitae Variant Classification Sherloc (09022015). Collection method: clinical testing. Allele origin: germline.
Comment: In summary, the available evidence is currently insufficient to determine the role of this variant in disease. Therefore, it has been classified as a Variant of Uncertain Significance. Algorithms developed to predict the effect of missense changes on protein structure and function are either unavailable or do not agree on the potential impact of this missense change (SIFT: "Deleterious"; PolyPhen-2: "Probably Damaging"; Align-GVGD: "Class C15"). This variant has not been reported in the literature in individuals affected with TMTC3-related conditions. This variant is present in population databases (rs541461293, gnomAD 0.003%). This sequence change replaces arginine, which is basic and polar, with cysteine, which is neutral and slightly polar, at codon 553 of the TMTC3 protein (p.Arg553Cys).

NM_181783.4(TMTC3):c.1657C>T (p.Arg553Cys)

Gene: TMTC3 (transmembrane O-mannosyltransferase targeting cadherins 3; plus strand). Cytogenetic location: 12q21.32.
Variant type: single nucleotide variant.
Coding change: c.1657C>T on transcript NM_181783.4 (MANE Select); coding-DNA position 1657, C replaced by T.
Protein change: p.Arg553Cys; replaces arginine 553 with cysteine.
Molecular consequence: missense variant. On other transcripts: non-coding transcript variant (1).
Genome position (GRCh38, 1-based): chr12:88,190,573, C>T. VCF-style: chr12-88190573-C-T. GRCh37 (hg19) VCF-style: chr12-88584350-C-T.
Other names: c.1477C>T, p.Arg493Cys (NM_001366574.1); c.1438C>T, p.Arg480Cys (NM_001366579.1); c.1390C>T, p.Arg464Cys (NM_001366580.1); c.964C>T, p.Arg322Cys (NM_001366583.1); c.1657C>T (NM_181783.3); short protein forms R322C, R493C, R480C, R464C, R553C.
Identifiers: ClinVar variation 1897968 (VCV001897968.6), dbSNP rs541461293, ClinGen allele CA6713337.